The following is an entry in ClinVar:

ClinVar aggregate classification (germline): Uncertain significance (1 of 4 stars; one submission).

Allele frequency attached by ClinVar (database versions not stated): TOPMed below 0.00001; gnomAD 0.00001; gnomAD exomes 0.00001.
gnomAD v4.1: 22 of 1,613,942 alleles (0.0014%); highest among the groups gnomAD compares: Middle Eastern, 0.033%; no homozygotes.

Submission:

Labcorp Genetics (formerly Invitae), Labcorp
Classification: Uncertain significance. Last evaluated: 2022-06-08. Review status: criteria provided, single submitter. Criteria: Invitae Variant Classification Sherloc (09022015). Collection method: clinical testing. Allele origin: germline.
Comment: This sequence change replaces leucine, which is neutral and non-polar, with isoleucine, which is neutral and non-polar, at codon 604 of the UBR1 protein (p.Leu604Ile). The frequency data for this variant in the population databases is considered unreliable, as metrics indicate poor data quality at this position in the gnomAD database. This variant has not been reported in the literature in individuals affected with UBR1-related conditions. Algorithms developed to predict the effect of missense changes on protein structure and function (SIFT, PolyPhen-2, Align-GVGD) all suggest that this variant is likely to be tolerated. In summary, the available evidence is currently insufficient to determine the role of this variant in disease. Therefore, it has been classified as a Variant of Uncertain Significance.

NM_174916.3(UBR1):c.1810C>A (p.Leu604Ile)

Gene: UBR1 (ubiquitin protein ligase E3 component n-recognin 1; minus strand). Cytogenetic location: 15q15.2.
Variant type: single nucleotide variant.
Coding change: c.1810C>A on transcript NM_174916.3 (MANE Select); coding-DNA position 1810, C replaced by A.
Protein change: p.Leu604Ile; replaces leucine 604 with isoleucine.
Molecular consequence: missense variant.
Genome position (GRCh38, 1-based): chr15:43,043,254, G>T on the plus strand (C>A on the coding strand, the complement: UBR1 is on the minus strand). VCF-style: chr15-43043254-G-T. GRCh37 (hg19) VCF-style: chr15-43335452-G-T.
Other names: short protein forms L604I.
Identifiers: ClinVar variation 1368791 (VCV001368791.6), dbSNP rs747081057, ClinGen allele CA269928008.